The following is an entry in ClinVar:

ClinVar aggregate classification (germline): Uncertain significance (1 of 4 stars; one submission).

Conditions:
Cobblestone lissencephaly without muscular or ocular involvement. Also called: LEUKOENCEPHALOPATHY WITH VARIABLE CORTICAL BRAIN MALFORMATIONS AND/OR HYDROCEPHALUS; Lissencephaly 5. Identifiers: Orphanet 352682, MedGen C3554657, MONDO:0014077, OMIM 615191.

Allele frequency attached by ClinVar (database versions not stated): gnomAD exomes 0.00001.
gnomAD v4.1: 8 of 1,614,136 alleles (0.0005%); highest among the groups gnomAD compares: Middle Eastern, 0.099%; no homozygotes.

Submission:

Baylor Genetics
Classification: Uncertain significance for Cobblestone lissencephaly without muscular or ocular involvement. Last evaluated: 2019-09-06. Review status: criteria provided, single submitter. Criteria: ACMG Guidelines, 2015. Collection method: clinical testing. Allele origin: unknown. Affected: yes.
Comment: This variant was determined to be of uncertain significance according to ACMG Guidelines, 2015 [PMID:25741868].

NM_002291.3(LAMB1):c.2092T>A (p.Tyr698Asn)

Gene: LAMB1 (laminin subunit beta 1; minus strand). Cytogenetic location: 7q31.1.
Variant type: single nucleotide variant.
Coding change: c.2092T>A on transcript NM_002291.3 (MANE Select); coding-DNA position 2092, T replaced by A.
Protein change: p.Tyr698Asn; replaces tyrosine 698 with asparagine.
Molecular consequence: missense variant.
Genome position (GRCh38, 1-based): chr7:107,961,223, A>T on the plus strand (T>A on the coding strand, the complement: LAMB1 is on the minus strand). VCF-style: chr7-107961223-A-T. GRCh37 (hg19) VCF-style: chr7-107601668-A-T.
Other names: short protein forms Y698N.
Identifiers: ClinVar variation 1029432 (VCV001029432.1), dbSNP rs1307088615, ClinGen allele CA368869586.
Genomic context (GRCh38, chr7:107,961,223, plus strand): 5'-GCCCAGGCTTTCCTGCATATGCCAGAAGCAATCTCGCACTTACAGAATCGATCAGCGTGT[A>T]GGGGCTCTCCACGTCGCTATCAGAGGAGGTGTACTGAGGCAGCTCCAACCTCACCGTGTA-3'
Protein context (NP_002282.2, residues 688-708): TSSDSDVESP[Tyr698Asn]TLIDSLVLMP